The following is an entry in ClinVar:

ClinVar aggregate classification (germline): Uncertain significance. Review status: criteria provided, multiple submitters, no conflicts (2 of 4 stars). 2 submissions from 2 submitters: Uncertain significance (2). Last evaluated 2025-01-07.

Conditions:
Greig cephalopolysyndactyly syndrome (GCPS). Also called: Greig syndrome; GLI3-Related Greig Cephalopolysyndactyly Syndrome; POLYSYNDACTYLY WITH PECULIAR SKULL SHAPE. Identifiers: Orphanet 380, MedGen C0265306, MONDO:0008287, OMIM 175700.
Polysyndactyly 4. Also called: Polysyndactyly uncomplicated; Preaxial polydactyly 4. Identifiers: Orphanet 93338, MedGen C1868111, MONDO:0008272, OMIM 174700.
Polydactyly, postaxial, type A1. Identifiers: MedGen C4282400, MONDO:0008266, OMIM 174200.
Pallister-Hall syndrome (PHS). Also called: GLI3-Related Pallister-Hall Syndrome; HYPOTHALAMIC HAMARTOBLASTOMA, HYPOPITUITARISM, IMPERFORATE ANUS, AND POSTAXIAL POLYDACTYLY. Identifiers: Orphanet 672, MedGen C0265220, MONDO:0007804, OMIM 146510.
GLI3-related disorder. Also called: GLI3-related disorders; GLI3-related condition. Identifiers: MedGen CN239292.

gnomAD v4.1: 8 of 1,613,904 alleles (0.0005%); highest among the groups gnomAD compares: South Asian, 0.0055%; 1 homozygote.

Submissions (2):

PreventionGenetics, part of Exact Sciences
Classification: Uncertain significance for GLI3-related condition. Last evaluated: 2025-01-07. Review status: criteria provided, single submitter. Criteria: ACMG Guidelines, 2015. Collection method: clinical testing. Allele origin: germline.
Comment: The GLI3 c.3755C>G variant is predicted to result in the amino acid substitution p.Pro1252Arg. To our knowledge, this variant has not been reported in the literature. This variant is reported in 0.0033% of alleles in individuals of South Asian descent in gnomAD. At this time, the clinical significance of this variant is uncertain due to the absence of conclusive functional and genetic evidence.

Fulgent Genetics
Classification: Uncertain significance for Pallister-Hall syndrome; Polydactyly, postaxial, type A1; Polysyndactyly 4; Greig cephalopolysyndactyly syndrome. Last evaluated: 2024-04-15. Review status: criteria provided, single submitter. Criteria: ACMG Guidelines, 2015. Collection method: clinical testing. Allele origin: germline.

NM_000168.6(GLI3):c.3755C>G (p.Pro1252Arg)

Gene: GLI3 (GLI family zinc finger 3; minus strand). Cytogenetic location: 7p14.1.
Variant type: single nucleotide variant.
Coding change: c.3755C>G on transcript NM_000168.6 (MANE Select); coding-DNA position 3755, C replaced by G.
Protein change: p.Pro1252Arg; replaces proline 1252 with arginine.
Molecular consequence: missense variant.
Genome position (GRCh38, 1-based): chr7:41,965,318, G>C on the plus strand (C>G on the coding strand, the complement: GLI3 is on the minus strand). VCF-style: chr7-41965318-G-C. GRCh37 (hg19) VCF-style: chr7-42004916-G-C.
Other names: c.3755C>G (NM_000168.5); short protein forms P1252R.
Identifiers: ClinVar variation 3594624 (VCV003594624.2).